The following is an entry in ClinVar:

ClinVar aggregate classification (germline): Benign/Likely benign. Review status: criteria provided, multiple submitters, no conflicts (2 of 4 stars). 8 submissions from 8 submitters: Benign (6); Likely benign (2). Last evaluated 2026-02-04.

Conditions:
Connective tissue disorder. Also called: Connective tissue disease. Identifiers: MedGen C0009782, MONDO:0003900.
Ehlers-Danlos syndrome, type 4 (EDSVASC). Also called: Ehlers-Danlos syndrome vascular type; Ehlers Danlos syndrome, ecchymotic type; Ehlers Danlos syndrome, arterial type; Ehlers Danlos syndrome, Sack-Barabas type; Ehlers-Danlos Syndrome Type IV. Identifiers: Orphanet 286, MedGen C0268338, MONDO:0017314, OMIM 130050.
Familial thoracic aortic aneurysm and aortic dissection (TAAD). Also called: Thoracic aortic aneurysms and dissections. Identifiers: Orphanet 91387, MedGen C4707243, MONDO:0019625.

Allele frequency attached by ClinVar (database versions not stated): 1000 Genomes Project 0.00699; 1000 Genomes Project 30x 0.00703; gnomAD exomes 0.00994 and 0.01591; gnomAD 0.01018 and 0.01120; ESP Exome Variant Server 0.01102; TOPMed 0.01129; ExAC 0.01298.

Submissions (8):

Labcorp Genetics (formerly Invitae), Labcorp
Classification: Benign for Ehlers-Danlos syndrome, type 4. Last evaluated: 2026-02-04. Review status: criteria provided, single submitter. Criteria: Invitae Variant Classification Sherloc (09022015). Collection method: clinical testing. Allele origin: germline.

ARUP Laboratories, Molecular Genetics and Genomics, ARUP Laboratories
Classification: Benign. Last evaluated: 2025-07-22. Review status: criteria provided, single submitter. Criteria: ARUP Molecular Germline Variant Investigation Process 2024. Collection method: clinical testing. Allele origin: germline.

Blueprint Genetics
Classification: Likely benign. Last evaluated: 2024-11-21. Review status: criteria provided, single submitter. Criteria: ACMG Guidelines, 2015. Collection method: clinical testing. Allele origin: germline.

Ambry Genetics
Classification: Benign for Familial thoracic aortic aneurysm and aortic dissection. Last evaluated: 2019-08-22. Review status: criteria provided, single submitter. Criteria: Ambry Variant Classification Scheme 2023. Collection method: clinical testing. Allele origin: germline.

Women's Health and Genetics/Laboratory Corporation of America, LabCorp
Classification: Benign. Last evaluated: 2019-08-19. Review status: criteria provided, single submitter. Criteria: LabCorp Variant Classification Summary - May 2015. Collection method: clinical testing. Allele origin: germline.
Comment: Variant summary: COL3A1 c.3525+19delG alters a nucleotide located close to a canonical splice site and therefore could affect mRNA splicing, leading to a significantly altered protein sequence. 5/5 computational tools predict no significant impact on normal splicing. However, these predictions have yet to be confirmed by functional studies. The variant allele was found at a frequency of 0.0099 in 228966 control chromosomes, predominantly at a frequency of 0.016 within the Non-Finnish European subpopulation in the gnomAD database, including 14 homozygotes. The observed variant frequency within Non-Finnish European control individuals in the gnomAD database is approximately 12800-folds over the estimated maximal expected allele frequency for a pathogenic variant in COL3A1 causing Aortopathy phenotype (1.3e-06), strongly suggesting that the variant is a benign polymorphism found primarily in populations of Non-Finnish European origin. To our knowledge, no occurrence of c.3525+19delG in individuals affected with Aortopathy and no experimental evidence demonstrating its impact on protein function have been reported. A ClinVar submission (evaluation after 2014) cites the variant as likely benign. Based on the evidence outlined above, the variant was classified as benign.

Center for Human Genetics, Inc
Classification: Likely benign for Connective tissue disorder. Last evaluated: 2016-11-01. Review status: criteria provided, single submitter. Criteria: ACMG Guidelines, 2015. Collection method: clinical testing. Allele origin: germline. Affected: yes.

GeneDx
Classification: Benign for Thoracic aortic aneurysms and aortic dissections. Last evaluated: 2013-01-17. Review status: criteria provided, single submitter. Criteria: GeneDx Variant Classification (06012015). Collection method: clinical testing. Allele origin: germline. Affected: yes.
Comment: The variant is found in TAAD panel(s).

PreventionGenetics, part of Exact Sciences
Classification: Benign. Review status: criteria provided, single submitter. Criteria: ACMG Guidelines, 2015. Collection method: clinical testing. Allele origin: germline.

NM_000090.4(COL3A1):c.3525+19del

Gene: COL3A1 (collagen type III alpha 1 chain; plus strand). Cytogenetic location: 2q32.2.
Variant type: Deletion.
Coding change: c.3525+19del on transcript NM_000090.4 (MANE Select); 19 bases into the intron after coding-DNA position 3525, one base deleted (G; older notation c.3525+19delG).
Molecular consequence: intron variant.
Genome position (GRCh38, 1-based): chr2:189,008,161, G deleted. VCF-style (leftmost placement, unchanged base first): chr2-189008160-CG-C. GRCh37 (hg19) VCF-style: chr2-189872886-CG-C.
Other names: c.3525+19delG (NM_000090.3).
Identifiers: ClinVar variation 199705 (VCV000199705.29), dbSNP rs138061246, ClinGen allele CA006584.